The following is an entry in ClinVar:

NM_032620.4(GTPBP3):c.755T>C (p.Val252Ala)

Gene: GTPBP3 (GTP binding protein 3, mitochondrial; plus strand). Cytogenetic location: 19p13.11.
Variant type: single nucleotide variant.
Coding change: c.755T>C on transcript NM_032620.4 (MANE Select); coding-DNA position 755, T replaced by C.
Protein change: p.Val252Ala; replaces valine 252 with alanine.
Molecular consequence: missense variant.
Genome position (GRCh38, 1-based): chr19:17,339,213, T>C. VCF-style: chr19-17339213-T-C. GRCh37 (hg19) VCF-style: chr19-17450022-T-C.
Other names: c.755T>C, p.Val252Ala (NM_001128855.3); c.821T>C, p.Val274Ala (NM_001195422.1); c.851T>C, p.Val284Ala (NM_133644.4); short protein forms V252A, V274A, V284A.
Identifiers: ClinVar variation 1715322 (VCV001715322.5), dbSNP rs2513206041, ClinGen allele CA404736968.

ClinVar aggregate classification (germline): Uncertain significance (1 of 4 stars; one submission).

Submission:

Labcorp Genetics (formerly Invitae), Labcorp
Classification: Uncertain significance. Last evaluated: 2022-08-06. Review status: criteria provided, single submitter. Criteria: Invitae Variant Classification Sherloc (09022015). Collection method: clinical testing. Allele origin: germline.
Comment: This sequence change replaces valine, which is neutral and non-polar, with alanine, which is neutral and non-polar, at codon 284 of the GTPBP3 protein (p.Val284Ala). This variant is not present in population databases (gnomAD no frequency). This variant has not been reported in the literature in individuals affected with GTPBP3-related conditions. Algorithms developed to predict the effect of missense changes on protein structure and function are either unavailable or do not agree on the potential impact of this missense change (SIFT: "Tolerated"; PolyPhen-2: "Possibly Damaging"; Align-GVGD: "Class C0"). In summary, the available evidence is currently insufficient to determine the role of this variant in disease. Therefore, it has been classified as a Variant of Uncertain Significance.